The following is an entry in ClinVar:

ClinVar aggregate classification (germline): Likely benign. Review status: criteria provided, multiple submitters, no conflicts (2 of 4 stars). 3 submissions from 3 submitters: Likely benign (3). Last evaluated 2025-08-23.

Conditions:
PROM1-related disorder. Also called: PROM1-related disorders; PROM1-related condition.

Allele frequency attached by ClinVar (database versions not stated): ESP Exome Variant Server 0.00008; 1000 Genomes Project 30x 0.00016; 1000 Genomes Project 0.00020.
gnomAD v4.1: 52 of 1,610,950 alleles (0.0032%); highest among the groups gnomAD compares: South Asian, 0.019%; no homozygotes.

Submissions (3):

Labcorp Genetics (formerly Invitae), Labcorp
Classification: Likely benign. Last evaluated: 2025-08-23. Review status: criteria provided, single submitter. Criteria: Invitae Variant Classification Sherloc (09022015). Collection method: clinical testing. Allele origin: germline.

PreventionGenetics, part of Exact Sciences
Classification: Likely benign for PROM1-related condition. Last evaluated: 2024-10-20. Review status: criteria provided, single submitter. Criteria: ACMG Guidelines, 2015. Collection method: clinical testing. Allele origin: germline.
Comment: This variant is classified as likely benign based on ACMG/AMP sequence variant interpretation guidelines (Richards et al. 2015 PMID: 25741868, with internal and published modifications).

Blueprint Genetics
Classification: Likely benign. Last evaluated: 2024-02-15. Review status: criteria provided, single submitter. Criteria: ACMG Guidelines, 2015. Collection method: clinical testing. Allele origin: germline.

NM_006017.3(PROM1):c.2094C>T (p.Ser698=)

Gene: PROM1 (prominin 1; minus strand). Cytogenetic location: 4p15.32.
Variant type: single nucleotide variant.
Coding change: c.2094C>T on transcript NM_006017.3 (MANE Select); coding-DNA position 2094, C replaced by T.
Protein change: p.Ser698=; no amino-acid change (serine 698 retained).
Molecular consequence: synonymous variant.
Genome position (GRCh38, 1-based): chr4:15,987,699, G>A on the plus strand (C>T on the coding strand, the complement: PROM1 is on the minus strand). VCF-style: chr4-15987699-G-A. GRCh37 (hg19) VCF-style: chr4-15989322-G-A.
Other names: c.2067C>T, p.Ser689= (NM_001145847.2, NM_001145848.2, NM_001145851.2 and 4 more transcripts); c.2094C>T, p.Ser698= (NM_001145849.2, NM_001145850.2).
Identifiers: ClinVar variation 742978 (VCV000742978.11), dbSNP rs199727800, ClinGen allele CA2866508.
Genomic context (GRCh38, chr4:15,987,699, plus strand): 5'-ACAGAAAACAAAGTAAACCCTTACCAACAATCCATTCCCTGTGCGTTGAAGTATCTTGAC[G>A]CTTTGGTATAGAGTGCTCTGGCAAGAAACAGATAATATTTCCAAAATTATTACATGAAGC-3'
Protein context (NP_006008.1, residues 688-708): IEQSLSTLYQ[Ser698=]VKILQRTGNG